The following is an entry in ClinVar:

ClinVar aggregate classification (germline): Uncertain significance. Review status: criteria provided, multiple submitters, no conflicts (2 of 4 stars). 2 submissions from 2 submitters: Uncertain significance (2). Last evaluated 2025-11-21.

Conditions:
Inborn genetic diseases. Identifiers: MedGen C0950123, MeSH D030342.

Submissions (2):

Ambry Genetics
Classification: Uncertain significance for Inborn genetic diseases. Last evaluated: 2025-11-21. Review status: criteria provided, single submitter. Criteria: Ambry Variant Classification Scheme 2023. Collection method: clinical testing. Allele origin: germline.

GeneDx
Classification: Uncertain significance. Last evaluated: 2024-10-23. Review status: criteria provided, single submitter. Criteria: GeneDx Variant Classification Process June 2021. Collection method: clinical testing. Allele origin: germline. Affected: yes.
Comment: Not observed at significant frequency in large population cohorts (gnomAD); In silico analysis indicates that this missense variant does not alter protein structure/function; Has not been previously published as pathogenic or benign to our knowledge

NM_021008.4(DEAF1):c.1000A>G (p.Thr334Ala)

Gene: DEAF1 (DEAF1 transcription factor; minus strand). Cytogenetic location: 11p15.5.
Variant type: single nucleotide variant.
Coding change: c.1000A>G on transcript NM_021008.4 (MANE Select); coding-DNA position 1000, A replaced by G.
Protein change: p.Thr334Ala; replaces threonine 334 with alanine.
Molecular consequence: missense variant.
Genome position (GRCh38, 1-based): chr11:679,814, T>C on the plus strand (A>G on the coding strand, the complement: DEAF1 is on the minus strand). VCF-style: chr11-679814-T-C. GRCh37 (hg19) VCF-style: chr11-679814-T-C.
Other names: c.733A>G, p.Thr245Ala (NM_001293634.2); c.274A>G, p.Thr92Ala (NM_001367390.1); short protein forms T245A, T334A, T92A.
Identifiers: ClinVar variation 3893561 (VCV003893561.2).
Genomic context (GRCh38, chr11:679,814, plus strand): 5'-TGGACGCTCGGTCAAAGGTCAGTGCCCCCGAGGTCGTGATCTGTCCCGAGGGGGTCACGG[T>C]GACTGGAAAGGCAGAAGCACATTTCACGCGGCCAGGCAGTGGCGCCCACGGCACACAGGT-3'
Protein context (NP_066288.2, residues 324-344): LLPATAATTF[Thr334Ala]VTPSGQITTS